The following is an entry in ClinVar:

ClinVar aggregate classification (germline): Likely benign (1 of 4 stars; one submission).

Conditions:
Palatal anomalies-widely spaced teeth-facial dysmorphism-developmental delay syndrome. Also called: Cleft palate, psychomotor retardation, and distinctive facial features. Identifiers: Orphanet 477993, MedGen C4225229, MONDO:0014751, OMIM 616728.

Submission:

Centre for Medical Genetics,  Mumbai
Classification: Likely benign for Palatal anomalies-widely spaced teeth-facial dysmorphism-developmental delay syndrome. Last evaluated: 2026-02-06. Review status: criteria provided, single submitter. Criteria: ACMG Guidelines, 2015. Collection method: provider interpretation. Allele origin: germline. Inheritance: Autosomal dominant inheritance. Affected: no. Observed: 1 heterozygote.
Comment: The variant satisfies PM2 criteria; Extremely low frequency in gnomAD population databases. The variant satisfies PP3 criteria; For a missense or a splicing region variant, computational prediction tools unanimously support a deleterious effect on the gene. The variant satisfies PP2 criteria; Missense variant in a gene with low rate of benign missense mutations and for which missense mutation is a common mechanism of a disease However, the variant satisfies BS2 criteria; present in heterozygous state in an individual that clinically does not have Cleft palate, psychomotor retardation, and distinctive facial features

Literature cited by the submitters: PubMed 24838796.

NM_001009999.3(KDM1A):c.2249G>C (p.Arg750Pro)

Gene: KDM1A (lysine demethylase 1A; plus strand). Cytogenetic location: 1p36.12.
Variant type: single nucleotide variant.
Coding change: c.2249G>C on transcript NM_001009999.3 (MANE Select); coding-DNA position 2249, G replaced by C.
Protein change: p.Arg750Pro; replaces arginine 750 with proline.
Molecular consequence: missense variant.
Genome position (GRCh38, 1-based): chr1:23,081,524, G>C. VCF-style: chr1-23081524-G-C. GRCh37 (hg19) VCF-style: chr1-23408017-G-C.
Other names: c.2195G>C, p.Arg732Pro (NM_001363654.2); c.2255G>C, p.Arg752Pro (NM_001410762.1); c.2177G>C, p.Arg726Pro (NM_001410763.1, NM_015013.4); short protein forms R726P, R732P, R750P, R752P.
Identifiers: ClinVar variation 4759210 (VCV004759210.1).